The following is an entry in ClinVar:

ClinVar aggregate classification (germline): Uncertain significance (1 of 4 stars; one submission).

Submission:

CeGaT Center for Human Genetics Tuebingen
Classification: Uncertain significance. Last evaluated: 2023-01-01. Review status: criteria provided, single submitter. Criteria: CeGaT Center For Human Genetics Tuebingen Variant Classification Criteria Version 2. Collection method: clinical testing. Allele origin: germline. Affected: yes. Observed: 1 variant allele.
Comment: WDR26: PM2, PP2

NM_001379403.1(WDR26):c.262C>T (p.His88Tyr)

Gene: WDR26 (WD repeat domain 26; minus strand). Cytogenetic location: 1q42.12.
Variant type: single nucleotide variant.
Coding change: c.262C>T on transcript NM_001379403.1 (MANE Select); coding-DNA position 262, C replaced by T.
Protein change: p.His88Tyr; replaces histidine 88 with tyrosine.
Molecular consequence: missense variant. On other transcripts: 5 prime UTR variant (2).
Genome position (GRCh38, 1-based): chr1:224,434,144, G>A on the plus strand (C>T on the coding strand, the complement: WDR26 is on the minus strand). VCF-style: chr1-224434144-G-A. GRCh37 (hg19) VCF-style: chr1-224621846-G-A.
Other names: c.-39C>T (NM_001115113.3, NM_025160.7); short protein forms H88Y.
Identifiers: ClinVar variation 2498446 (VCV002498446.28), dbSNP rs2464798852, ClinGen allele CA2580062234.
Genomic context (GRCh38, chr1:224,434,144, plus strand): 5'-CTCCTGCCCCATTGGCCTGCATGATGCTGCCGCTGACCAGGCTGTGGCCGCTACTTCGGT[G>A]GGGGACAGCAGCGGCGGCGGGAGGGGCAGCAGCCGGGGGAAGTCCCACCACTACCACCAC-3'
Protein context (NP_001366332.1, residues 78-98): AAPPAAAAVP[His88Tyr]RSSGHSLVSG